The following is an entry in ClinVar:

ClinVar aggregate classification (germline): Uncertain significance. Review status: criteria provided, multiple submitters, no conflicts (2 of 4 stars). 2 submissions from 2 submitters: Uncertain significance (2). Last evaluated 2022-06-24.

Conditions:
Nephronophthisis. Also called: Juvenile Nephronophthisis. Identifiers: Orphanet 655, MedGen C0687120, MONDO:0019005, HP:0000090.

Allele frequency attached by ClinVar (database versions not stated): gnomAD exomes below 0.00001 and 0.00001; TOPMed below 0.00001; gnomAD 0.00001; ExAC 0.00002; ESP Exome Variant Server 0.00008.
gnomAD v4.1: 6 of 1,611,984 alleles (0.00037%); highest among the groups gnomAD compares: African/African-American, 0.0013%; no homozygotes.

Submissions (2):

Blueprint Genetics
Classification: Uncertain significance. Last evaluated: 2022-06-24. Review status: criteria provided, single submitter. Criteria: ACMG Guidelines, 2015. Collection method: clinical testing. Allele origin: germline.

Labcorp Genetics (formerly Invitae), Labcorp
Classification: Uncertain significance for Nephronophthisis. Last evaluated: 2021-09-24. Review status: criteria provided, single submitter. Criteria: Invitae Variant Classification Sherloc (09022015). Collection method: clinical testing. Allele origin: germline.
Comment: This sequence change replaces asparagine with serine at codon 293 of the NPHP4 protein (p.Asn293Ser). The asparagine residue is highly conserved and there is a small physicochemical difference between asparagine and serine. This variant is present in population databases (rs368886256, ExAC 0.004%). This variant has not been reported in the literature in individuals with NPHP4-related conditions. Algorithms developed to predict the effect of missense changes on protein structure and function output the following: SIFT: "Deleterious"; PolyPhen-2: "Possibly Damaging"; Align-GVGD: "Class C0". The serine amino acid residue is found in multiple mammalian species, suggesting that this missense change does not adversely affect protein function. These predictions have not been confirmed by published functional studies and their clinical significance is uncertain. Algorithms developed to predict the effect of sequence changes on RNA splicing suggest that this variant may create or strengthen a splice site, but this prediction has not been confirmed by published transcriptional studies. In summary, the available evidence is currently insufficient to determine the role of this variant in disease. Therefore, it has been classified as a Variant of Uncertain Significance.

NM_015102.5(NPHP4):c.878A>G (p.Asn293Ser)

Gene: NPHP4 (nephrocystin 4; minus strand). Cytogenetic location: 1p36.31.
Variant type: single nucleotide variant.
Coding change: c.878A>G on transcript NM_015102.5 (MANE Select); coding-DNA position 878, A replaced by G.
Protein change: p.Asn293Ser; replaces asparagine 293 with serine.
Molecular consequence: missense variant. On other transcripts: 5 prime UTR variant (2), non-coding transcript variant (1).
Genome position (GRCh38, 1-based): chr1:5,948,184, T>C on the plus strand (A>G on the coding strand, the complement: NPHP4 is on the minus strand). VCF-style: chr1-5948184-T-C. GRCh37 (hg19) VCF-style: chr1-6008244-T-C.
Other names: c.-489A>G (NM_001291593.2, NM_001291594.2); short protein forms N293S.
Identifiers: ClinVar variation 1350696 (VCV001350696.6), dbSNP rs368886256, ClinGen allele CA554712.